The following is an entry in ClinVar:

ClinVar aggregate classification (germline): Uncertain significance. Review status: criteria provided, multiple submitters, no conflicts (2 of 4 stars). 2 submissions from 2 submitters: Uncertain significance (2). Last evaluated 2026-08-18.

Conditions:
Inborn genetic diseases. Identifiers: MedGen C0950123, MeSH D030342.

Submissions (2):

Ambry Genetics
Classification: Uncertain significance for Inborn genetic diseases. Last evaluated: 2026-08-18. Review status: criteria provided, single submitter. Criteria: Ambry Variant Classification Scheme 2023. Collection method: clinical testing. Allele origin: germline.

Labcorp Genetics (formerly Invitae), Labcorp
Classification: Uncertain significance. Last evaluated: 2024-04-25. Review status: criteria provided, single submitter. Criteria: Invitae Variant Classification Sherloc (09022015). Collection method: clinical testing. Allele origin: germline.
Comment: This sequence change replaces phenylalanine, which is neutral and non-polar, with leucine, which is neutral and non-polar, at codon 409 of the SLC12A6 protein (p.Phe409Leu). This variant is not present in population databases (gnomAD no frequency). This variant has not been reported in the literature in individuals affected with SLC12A6-related conditions. Advanced modeling of protein sequence and biophysical properties (such as structural, functional, and spatial information, amino acid conservation, physicochemical variation, residue mobility, and thermodynamic stability) performed at Invitae indicates that this missense variant is not expected to disrupt SLC12A6 protein function with a negative predictive value of 80%. In summary, the available evidence is currently insufficient to determine the role of this variant in disease. Therefore, it has been classified as a Variant of Uncertain Significance.

NM_001365088.1(SLC12A6):c.1225T>C (p.Phe409Leu)

Gene: SLC12A6 (solute carrier family 12 member 6; minus strand). Cytogenetic location: 15q14.
Variant type: single nucleotide variant.
Coding change: c.1225T>C on transcript NM_001365088.1 (MANE Select); coding-DNA position 1225, T replaced by C.
Protein change: p.Phe409Leu; replaces phenylalanine 409 with leucine.
Molecular consequence: missense variant.
Genome position (GRCh38, 1-based): chr15:34,252,278, A>G on the plus strand (T>C on the coding strand, the complement: SLC12A6 is on the minus strand). VCF-style: chr15-34252278-A-G. GRCh37 (hg19) VCF-style: chr15-34544479-A-G.
Other names: c.1048T>C, p.Phe350Leu (NM_001042494.2, NM_001042495.2); c.1198T>C, p.Phe400Leu (NM_001042496.2); c.1180T>C, p.Phe394Leu (NM_001042497.2); c.1072T>C, p.Phe358Leu (NM_005135.2); c.1225T>C, p.Phe409Leu (NM_133647.2); short protein forms F350L, F358L, F394L, F400L, F409L.
Identifiers: ClinVar variation 3604815 (VCV003604815.3).